The following is an entry in ClinVar:

ClinVar aggregate classification (germline): Uncertain significance. Review status: criteria provided, multiple submitters, no conflicts (2 of 4 stars). 2 submissions from 2 submitters: Uncertain significance (2). Last evaluated 2025-03-28.

Conditions:
COL18A1-related disorder. Also called: COL18A1-related disorders; COL18A1-related condition.

Allele frequency attached by ClinVar (database versions not stated): ExAC 0.00001; gnomAD exomes 0.00001; gnomAD 0.00012 and 0.00013; TOPMed 0.00012.
gnomAD v4.1: 41 of 1,612,524 alleles (0.0025%); highest among the groups gnomAD compares: African/African-American, 0.043%; no homozygotes.

Submissions (2):

PreventionGenetics, part of Exact Sciences
Classification: Uncertain significance for COL18A1-related condition. Last evaluated: 2025-03-28. Review status: criteria provided, single submitter. Criteria: ACMG Guidelines, 2015. Collection method: clinical testing. Allele origin: germline.
Comment: The COL18A1 c.4489A>G variant is predicted to result in the amino acid substitution p.Ser1497Gly. To our knowledge, this variant has not been reported in the literature. This variant is present in 0.021% of alleles in individuals of African descent in gnomAD. At this time, the clinical significance of this variant is uncertain due to the absence of conclusive functional and genetic evidence.

Labcorp Genetics (formerly Invitae), Labcorp
Classification: Uncertain significance. Last evaluated: 2022-09-27. Review status: criteria provided, single submitter. Criteria: Invitae Variant Classification Sherloc (09022015). Collection method: clinical testing. Allele origin: germline.
Comment: This sequence change replaces serine, which is neutral and polar, with glycine, which is neutral and non-polar, at codon 1317 of the COL18A1 protein (p.Ser1317Gly). This variant is present in population databases (rs765506114, gnomAD 0.02%). This variant has not been reported in the literature in individuals affected with COL18A1-related conditions. ClinVar contains an entry for this variant (Variation ID: 1061214). Experimental studies and prediction algorithms are not available or were not evaluated, and the functional significance of this variant is currently unknown. In summary, the available evidence is currently insufficient to determine the role of this variant in disease. Therefore, it has been classified as a Variant of Uncertain Significance.

NM_001379500.1(COL18A1):c.3958A>G (p.Ser1320Gly)

Genes: COL18A1 (collagen type XVIII alpha 1 chain; plus strand), SLC19A1 (solute carrier family 19 member 1; minus strand). Cytogenetic location: 21q22.3.
Variant type: single nucleotide variant.
Coding change: c.3958A>G on transcript NM_001379500.1 (MANE Select); coding-DNA position 3958, A replaced by G.
Protein change: p.Ser1320Gly; replaces serine 1320 with glycine.
Molecular consequence: missense variant.
Genome position (GRCh38, 1-based): chr21:45,512,336, A>G. VCF-style: chr21-45512336-A-G. GRCh37 (hg19) VCF-style: chr21-46932250-A-G.
Other names: c.4489A>G, p.Ser1497Gly (NM_030582.4); c.5194A>G, p.Ser1732Gly (NM_130444.3); c.4489A>G (NM_030582.3); short protein forms S1320G, S1497G, S1732G.
Identifiers: ClinVar variation 1061214 (VCV001061214.5), dbSNP rs765506114, ClinGen allele CA10068149.